The following is an entry in ClinVar:

NM_198576.4(AGRN):c.3522C>T (p.Asp1174=)

Gene: AGRN (agrin; plus strand). Cytogenetic location: 1p36.33.
Variant type: single nucleotide variant.
Coding change: c.3522C>T on transcript NM_198576.4 (MANE Select); coding-DNA position 3522, C replaced by T.
Protein change: p.Asp1174=; no amino-acid change (aspartic acid 1174 retained).
Molecular consequence: synonymous variant.
Genome position (GRCh38, 1-based): chr1:1,047,578, C>T. VCF-style: chr1-1047578-C-T. GRCh37 (hg19) VCF-style: chr1-982958-C-T.
Other names: c.3522C>T (NM_198576.3); c.3522C>T, p.Asp1174= (NM_001305275.2); c.3207C>T, p.Asp1069= (NM_001364727.2).
Identifiers: ClinVar variation 1635022 (VCV001635022.34), dbSNP rs374008359, ClinGen allele CA509126.

ClinVar aggregate classification (germline): Likely benign. Review status: criteria provided, multiple submitters, no conflicts (2 of 4 stars). 4 submissions from 4 submitters: Likely benign (3). 1 of the submissions does not count toward it. Last evaluated 2025-12-24.

Conditions:
AGRN-related disorder. Also called: AGRN-related condition.
Congenital myasthenic syndrome 8. Also called: Myasthenic syndrome, congenital, 8, with pre- and postsynaptic defects; MYASTHENIC SYNDROME, CONGENITAL, DUE TO AGRIN DEFICIENCY. Identifiers: Orphanet 590, MedGen C3808739, MONDO:0014052, OMIM 615120.

Allele frequency attached by ClinVar (database versions not stated): gnomAD 0.00002 and 0.00006; TOPMed 0.00003; ExAC 0.00006; gnomAD exomes 0.00006 and 0.00008; ESP Exome Variant Server 0.00008.
gnomAD v4.1: 93 of 1,612,932 alleles (0.0058%); highest among the groups gnomAD compares: South Asian, 0.047%; 1 homozygote.

Submissions (4):

Labcorp Genetics (formerly Invitae), Labcorp
Classification: Likely benign for Congenital myasthenic syndrome 8. Last evaluated: 2025-12-24. Review status: criteria provided, single submitter. Criteria: Invitae Variant Classification Sherloc (09022015). Collection method: clinical testing. Allele origin: germline.

Blueprint Genetics
Classification: Likely benign. Last evaluated: 2024-05-02. Review status: criteria provided, single submitter. Criteria: ACMG Guidelines, 2015. Collection method: clinical testing. Allele origin: germline.

CeGaT Center for Human Genetics Tuebingen
Classification: Likely benign. Last evaluated: 2022-09-01. Review status: criteria provided, single submitter. Criteria: CeGaT Center For Human Genetics Tuebingen Variant Classification Criteria Version 2. Collection method: clinical testing. Allele origin: germline. Affected: yes. Observed: 1 variant allele.
Comment: AGRN: BP4, BP7

PreventionGenetics, part of Exact Sciences
Classification: Likely benign for AGRN-related condition. Last evaluated: 2019-04-05. Review status: no assertion criteria provided. Collection method: clinical testing. Allele origin: germline. Not counted in ClinVar's aggregate classification.
Comment: This variant is classified as likely benign based on ACMG/AMP sequence variant interpretation guidelines (Richards et al. 2015 PMID: 25741868, with internal and published modifications).